The following is an entry in ClinVar:

ClinVar aggregate classification (germline): Pathogenic (1 of 4 stars; one submission).

Conditions:
Mucopolysaccharidosis, MPS-III-D (MPS3D). Also called: MPS III D; Mucopoly-saccharidosis type 3D; N-acetylglucosamine-6-sulfate sulfatase deficiency; MPS 3D; N-ACETYLGLUCOSAMINE-6-SULFATASE DEFICIENCY; SANFILIPPO SYNDROME D. Identifiers: Orphanet 581, Orphanet 79272, MedGen C0086650, MONDO:0009658, OMIM 252940.

Submission:

Labcorp Genetics (formerly Invitae), Labcorp
Classification: Pathogenic for Mucopolysaccharidosis, MPS-III-D. Last evaluated: 2020-08-30. Review status: criteria provided, single submitter. Criteria: Invitae Variant Classification Sherloc (09022015). Collection method: clinical testing. Allele origin: germline.
Comment: For these reasons, this variant has been classified as Pathogenic. Loss-of-function variants in GNS are known to be pathogenic (PMID: 20232353). This variant has not been reported in the literature in individuals with GNS-related conditions. This variant is not present in population databases (ExAC no frequency). This sequence change creates a premature translational stop signal (p.Leu213Trpfs*15) in the GNS gene. It is expected to result in an absent or disrupted protein product.

Literature cited by the submitters: PubMed 20232353.

NM_002076.4(GNS):c.638del (p.Leu213fs)

Gene: GNS (glucosamine (N-acetyl)-6-sulfatase; minus strand). Cytogenetic location: 12q14.3.
Variant type: Deletion.
Coding change: c.638del on transcript NM_002076.4 (MANE Select); coding-DNA position 638, one base deleted (T; older notation c.638delT).
Protein change: p.Leu213fs; shifts the reading frame from leucine 213.
Molecular consequence: frameshift variant.
Genome position (GRCh38, 1-based): chr12:64,743,295, A deleted on the plus strand (T on the coding strand, the reverse complement: GNS is on the minus strand); the first of 2 consecutive A bases (chr12:64,743,295-64,743,296); deleting either gives the same sequence. VCF-style (leftmost placement, unchanged base first): chr12-64743294-CA-C. GRCh37 (hg19) VCF-style: chr12-65137074-CA-C.
Other names: short protein forms L213fs.
Identifiers: ClinVar variation 1075873 (VCV001075873.7), dbSNP rs2136247658, ClinGen allele CA2499221830.